The following is an entry in ClinVar:

ClinVar aggregate classification (germline): Uncertain significance. Review status: criteria provided, multiple submitters, no conflicts (2 of 4 stars). 2 submissions from 2 submitters: Uncertain significance (2). Last evaluated 2024-12-20.

Conditions:
Hereditary cancer-predisposing syndrome. Also called: Hereditary neoplastic syndrome; Hereditary Cancer Syndrome; Neoplastic Syndromes, Hereditary; Tumor predisposition. Identifiers: Orphanet 140162, MedGen C0027672, MeSH D009386, MONDO:0015356.

Allele frequency attached by ClinVar (database versions not stated): TOPMed below 0.00001.

Submissions (2):

Ambry Genetics
Classification: Uncertain significance for Hereditary cancer-predisposing syndrome. Last evaluated: 2024-12-20. Review status: criteria provided, single submitter. Criteria: Ambry Variant Classification Scheme 2023. Collection method: clinical testing. Allele origin: germline.
Comment: The p.E444D variant (also known as c.1332G>T), located in coding exon 9 of the RAD50 gene, results from a G to T substitution at nucleotide position 1332. The glutamic acid at codon 444 is replaced by aspartic acid, an amino acid with highly similar properties. This amino acid position is well conserved in available vertebrate species. In addition, this alteration is predicted to be tolerated by in silico analysis. Since supporting evidence is limited at this time, the clinical significance of this alteration remains unclear.

Labcorp Genetics (formerly Invitae), Labcorp
Classification: Uncertain significance for Hereditary cancer-predisposing syndrome. Last evaluated: 2020-03-07. Review status: criteria provided, single submitter. Criteria: Invitae Variant Classification Sherloc (09022015). Collection method: clinical testing. Allele origin: germline.
Comment: In summary, the available evidence is currently insufficient to determine the role of this variant in disease. Therefore, it has been classified as a Variant of Uncertain Significance. Algorithms developed to predict the effect of missense changes on protein structure and function (SIFT, PolyPhen-2, Align-GVGD) all suggest that this variant is likely to be tolerated, but these predictions have not been confirmed by published functional studies and their clinical significance is uncertain. This variant has not been reported in the literature in individuals with RAD50-related disease. ClinVar contains an entry for this variant (Variation ID: 230156). This variant is not present in population databases (ExAC no frequency). This sequence change replaces glutamic acid with aspartic acid at codon 444 of the RAD50 protein (p.Glu444Asp). The glutamic acid residue is moderately conserved and there is a small physicochemical difference between glutamic acid and aspartic acid.

NM_005732.4(RAD50):c.1332G>T (p.Glu444Asp)

Gene: RAD50 (RAD50 double strand break repair protein; plus strand). Cytogenetic location: 5q31.1.
Variant type: single nucleotide variant.
Coding change: c.1332G>T on transcript NM_005732.4 (MANE Select); coding-DNA position 1332, G replaced by T.
Protein change: p.Glu444Asp; replaces glutamic acid 444 with aspartic acid.
Molecular consequence: missense variant.
Genome position (GRCh38, 1-based): chr5:132,589,717, G>T. VCF-style: chr5-132589717-G-T. GRCh37 (hg19) VCF-style: chr5-131925409-G-T.
Other names: short protein forms E444D.
Identifiers: ClinVar variation 230156 (VCV000230156.15), dbSNP rs876658417, ClinGen allele CA10578524.